The following is an entry in ClinVar:

NM_000038.6(APC):c.4105C>G (p.Pro1369Ala)

Gene: APC (APC regulator of Wnt signaling pathway; plus strand). Cytogenetic location: 5q22.2.
Variant type: single nucleotide variant.
Coding change: c.4105C>G on transcript NM_000038.6 (MANE Select); coding-DNA position 4105, C replaced by G.
Protein change: p.Pro1369Ala; replaces proline 1369 with alanine.
Molecular consequence: missense variant.
Genome position (GRCh38, 1-based): chr5:112,839,699, C>G. VCF-style: chr5-112839699-C-G. GRCh37 (hg19) VCF-style: chr5-112175396-C-G.
Other names: c.4105C>G, p.Pro1369Ala (NM_001127510.3, NM_001354895.2); c.4051C>G, p.Pro1351Ala (NM_001127511.3); c.4159C>G, p.Pro1387Ala (NM_001354896.2); c.4135C>G, p.Pro1379Ala (NM_001354897.2); c.4030C>G, p.Pro1344Ala (NM_001354898.2); c.4021C>G, p.Pro1341Ala (NM_001354899.2); c.3982C>G, p.Pro1328Ala (NM_001354900.2); c.3928C>G, p.Pro1310Ala (NM_001354901.2); and 6 more; short protein forms P1086A, P1209A, P1243A, P1268A, P1278A, P1310A, P1328A, P1341A.
Identifiers: ClinVar variation 1017946 (VCV001017946.11), dbSNP rs1765602975, ClinGen allele CA16030321.

ClinVar aggregate classification (germline): Uncertain significance. Review status: criteria provided, multiple submitters, no conflicts (2 of 4 stars). 2 submissions from 2 submitters: Uncertain significance (2). Last evaluated 2025-12-12.

Conditions:
Hereditary cancer-predisposing syndrome. Also called: Tumor predisposition; Neoplastic Syndromes, Hereditary; Hereditary neoplastic syndrome; Hereditary Cancer Syndrome. Identifiers: Orphanet 140162, MedGen C0027672, MeSH D009386, MONDO:0015356.
Familial adenomatous polyposis 1 (FAP1). Also called: POLYPOSIS, ADENOMATOUS INTESTINAL; FAMILIAL ADENOMATOUS POLYPOSIS 1, ATTENUATED. Identifiers: MedGen C2713442, MONDO:0021056, OMIM 175100. Disease mechanism: loss of function.

Submissions (2):

Labcorp Genetics (formerly Invitae), Labcorp
Classification: Uncertain significance for Familial adenomatous polyposis 1. Last evaluated: 2025-12-12. Review status: criteria provided, single submitter. Criteria: Invitae Variant Classification Sherloc (09022015). Collection method: clinical testing. Allele origin: germline.
Comment: This sequence change replaces proline, which is neutral and non-polar, with alanine, which is neutral and non-polar, at codon 1369 of the APC protein (p.Pro1369Ala). This variant is not present in population databases (gnomAD no frequency). This variant has not been reported in the literature in individuals affected with APC-related conditions. ClinVar contains an entry for this variant (Variation ID: 1017946). Invitae Evidence Modeling of protein sequence and biophysical properties (such as structural, functional, and spatial information, amino acid conservation, physicochemical variation, residue mobility, and thermodynamic stability) indicates that this missense variant is not expected to disrupt APC protein function with a negative predictive value of 95%. In summary, the available evidence is currently insufficient to determine the role of this variant in disease. Therefore, it has been classified as a Variant of Uncertain Significance.

Ambry Genetics
Classification: Uncertain significance for Hereditary cancer-predisposing syndrome. Last evaluated: 2024-02-01. Review status: criteria provided, single submitter. Criteria: Ambry Variant Classification Scheme 2023. Collection method: clinical testing. Allele origin: germline.
Comment: The p.P1369A variant (also known as c.4105C>G), located in coding exon 15 of the APC gene, results from a C to G substitution at nucleotide position 4105. The proline at codon 1369 is replaced by alanine, an amino acid with highly similar properties. This amino acid position is conserved. In addition, in silico predictors for this gene do not accurately predict pathogenicity. Based on the available evidence, the clinical significance of this alteration remains unclear.